The following is an entry in ClinVar:

NC_000002.11:g.(?_73682279)_(73682432_?)dup

Gene: ALMS1 (ALMS1 centrosome and basal body associated protein; plus strand). Cytogenetic location: 2p13.1.
Variant type: Duplication.
Identifiers: ClinVar variation 1067380 (VCV001067380.3).

ClinVar aggregate classification (germline): Likely pathogenic (1 of 4 stars; one submission).

Conditions:
Alstrom syndrome (ALMS). Identifiers: Orphanet 64, MedGen C0268425, MONDO:0008763, OMIM 203800.

Submission:

Labcorp Genetics (formerly Invitae), Labcorp
Classification: Likely pathogenic for Alstrom syndrome. Last evaluated: 2020-10-08. Review status: criteria provided, single submitter. Criteria: Invitae Variant Classification Sherloc (09022015). Collection method: clinical testing. Allele origin: germline.
Comment: In summary, the currently available evidence indicates that the variant is pathogenic, but additional data are needed to prove that conclusively. Therefore, this variant has been classified as Likely Pathogenic. Loss-of-function variants in ALMS1 are known to be pathogenic (PMID: 17594715). This variant has not been reported in the literature in individuals with ALMS1-related conditions. This variant results in a copy number gain of the genomic region encompassing exon(s) 9 of the ALMS1 gene. While the exact position of this variant cannot be determined from the data, sub-genic copy number gains are generally in tandem (PMID: 25640679). This variant is predicted to be out-of-frame, and may result in an absent or disrupted protein product.

Literature cited by the submitters: PubMed 17594715; PubMed 25640679.